The following is an entry in ClinVar:

NM_016239.4(MYO15A):c.5189T>C (p.Leu1730Pro)

Gene: MYO15A (myosin XVA; plus strand). Cytogenetic location: 17p11.2.
Variant type: single nucleotide variant.
Coding change: c.5189T>C on transcript NM_016239.4 (MANE Select); coding-DNA position 5189, T replaced by C.
Protein change: p.Leu1730Pro; replaces leucine 1730 with proline.
Molecular consequence: missense variant.
Genome position (GRCh38, 1-based): chr17:18,139,589, T>C. VCF-style: chr17-18139589-T-C. GRCh37 (hg19) VCF-style: chr17-18042903-T-C.
Other names: short protein forms L1730P.
Identifiers: ClinVar variation 4689367 (VCV004689367.1).

ClinVar aggregate classification (germline): Uncertain significance (1 of 4 stars; one submission).

gnomAD v4.1: 1 of 1,614,064 alleles (0.000062%); highest among the groups gnomAD compares: South Asian, 0.0011%; no homozygotes.

Submission:

Women's Health and Genetics/Laboratory Corporation of America, LabCorp
Classification: Uncertain significance. Last evaluated: 2026-01-15. Review status: criteria provided, single submitter. Criteria: LabCorp Variant Classification Summary - May 2015. Collection method: clinical testing. Allele origin: germline.
Comment: Variant summary: MYO15A c.5189T>C (p.Leu1730Pro) results in a non-conservative amino acid change in the encoded protein sequence. Algorithms developed to predict the effect of missense changes on protein structure and function all suggest that this variant is likely to be disruptive. The variant was absent in 248946 control chromosomes. The available data on variant occurrences in the general population are insufficient to allow any conclusion about variant significance. c.5189T>C has been observed in individual(s) affected with Autosomal Recessive Nonsyndromic Hearing Loss (example: Zhuri_2024, Nal_2007). These data do not allow any conclusion about variant significance. To our knowledge, no experimental evidence demonstrating an impact on protein function has been reported. The following publications have been ascertained in the context of this evaluation (PMID: 39161163, 27018795, 17546645, 26242193). No submitters have cited clinical-significance assessments for this variant to ClinVar. Based on the evidence outlined above, the variant was classified as uncertain significance.

Literature cited by the submitters: PubMed 27018795; PubMed 17546645; PubMed 26242193; PubMed 39161163.